The following is an entry in ClinVar:

NM_018129.4(PNPO):c.118_119del (p.Ser40fs)

Gene: PNPO (pyridoxamine 5'-phosphate oxidase; plus strand). Cytogenetic location: 17q21.32.
Variant type: Microsatellite.
Coding change: c.118_119del on transcript NM_018129.4 (MANE Select); coding-DNA positions 118 to 119, 2 bases deleted (AG; older notation c.118_119delAG).
Protein change: p.Ser40fs; shifts the reading frame from serine 40.
Molecular consequence: frameshift variant.
Genome position (GRCh38, 1-based): chr17:47,941,793-47,941,794, AG deleted; deleting any 2 consecutive bases within chr17:47,941,791-47,941,794 gives the same sequence; the c. name uses the placement nearest the transcript's 3' end. VCF-style (leftmost placement, unchanged base first): chr17-47941790-AAG-A. GRCh37 (hg19) VCF-style: chr17-46019156-AAG-A.
Other names: c.118_119del, p.Ser40fs (NM_001436305.1); short protein forms S40fs.
Identifiers: ClinVar variation 4769621 (VCV004769621.1).
Genomic context (GRCh38, chr17:47,941,790, plus strand): 5'-CCAGGCTACCTCAGTCACCTGTGTGGTCGCAGTGCTGCCATGGACCTGGGACCCATGCGC[AAG>A]AGTTACCGCGGGGACCGAGAGGTGCCGCCGCTAGGGCCAGGCCTCCTGCAGGGGCGGGGG-3'

ClinVar aggregate classification (germline): Pathogenic (1 of 4 stars; one submission).

Conditions:
Pyridoxal phosphate-responsive seizures (PNPOD). Also called: Pyridoxal 5'-Phosphate (PLP)-Dependent Epilepsy; EPILEPTIC ENCEPHALOPATHY, NEONATAL, PNPO-RELATED; SEIZURES, PYRIDOXINE-RESISTANT, PLP-SENSITIVE; Pyridoxamine 5-Prime-Phosphate Oxidase Deficiency; Pyridoxine-5'-phosphate oxidase deficiency. Identifiers: Orphanet 79096, MedGen C1864723, MONDO:0012407, OMIM 610090. Disease mechanism: loss of function.

Submission:

Labcorp Genetics (formerly Invitae), Labcorp
Classification: Pathogenic for Pyridoxal phosphate-responsive seizures. Last evaluated: 2025-11-12. Review status: criteria provided, single submitter. Criteria: Invitae Variant Classification Sherloc (09022015). Collection method: clinical testing. Allele origin: germline.
Comment: This sequence change creates a premature translational stop signal (p.Ser40Leufs*9) in the PNPO gene. It is expected to result in an absent or disrupted protein product. Loss-of-function variants in PNPO are known to be pathogenic (PMID: 15772097, 24645144). This variant is not present in population databases (gnomAD no frequency). This variant has not been reported in the literature in individuals affected with PNPO-related conditions. For these reasons, this variant has been classified as Pathogenic.

Literature cited by the submitters: PubMed 15772097; PubMed 24645144.